The following is an entry in ClinVar:

ClinVar aggregate classification (germline): Uncertain significance. Review status: criteria provided, single submitter (1 of 4 stars). 2 submissions from 2 submitters: Uncertain significance (1). 1 of the submissions does not count toward it. Last evaluated 2025-01-24.

Conditions:
Inborn genetic diseases. Identifiers: MedGen C0950123, MeSH D030342.
ANOS1-related disorder. Also called: ANOS1-related condition.

Allele frequency attached by ClinVar (database versions not stated): gnomAD exomes below 0.00001.
gnomAD v4.1: 3 of 1,210,006 alleles (0.00025%); highest among the groups gnomAD compares: Non-Finnish European, 0.00034%; no homozygotes.

Submissions (2):

Ambry Genetics
Classification: Uncertain significance for Inborn genetic diseases. Last evaluated: 2025-01-24. Review status: criteria provided, single submitter. Criteria: Ambry Variant Classification Scheme 2023. Collection method: clinical testing. Allele origin: germline.

PreventionGenetics, part of Exact Sciences
Classification: Uncertain significance for ANOS1-related condition. Last evaluated: 2023-11-13. Review status: no assertion criteria provided. Collection method: clinical testing. Allele origin: germline. Not counted in ClinVar's aggregate classification.
Comment: The ANOS1 c.1109A>G variant is predicted to result in the amino acid substitution p.Tyr370Cys. To our knowledge, this variant has not been reported in the literature or in a large population database, indicating this variant is rare. At this time, the clinical significance of this variant is uncertain due to the absence of conclusive functional and genetic evidence.

NM_000216.4(ANOS1):c.1109A>G (p.Tyr370Cys)

Gene: ANOS1 (anosmin 1; minus strand). Cytogenetic location: Xp22.31.
Variant type: single nucleotide variant.
Coding change: c.1109A>G on transcript NM_000216.4 (MANE Select); coding-DNA position 1109, A replaced by G.
Protein change: p.Tyr370Cys; replaces tyrosine 370 with cysteine.
Molecular consequence: missense variant.
Genome position (GRCh38, 1-based): chrX:8,568,330, T>C on the plus strand (A>G on the coding strand, the complement: ANOS1 is on the minus strand). VCF-style: chrX-8568330-T-C. GRCh37 (hg19) VCF-style: chrX-8536371-T-C.
Other names: c.1109A>G (NM_000216.2); short protein forms Y370C.
Identifiers: ClinVar variation 3029107 (VCV003029107.3), dbSNP rs2518482273, ClinGen allele CA411994902.